The following is an entry in ClinVar:

ClinVar aggregate classification (germline): Likely benign. Review status: criteria provided, multiple submitters, no conflicts (2 of 4 stars). 2 submissions from 2 submitters: Likely benign (2). Last evaluated 2026-01-03.

Conditions:
ALG9 congenital disorder of glycosylation (CDG1L). Also called: ALG9-CDG; CONGENITAL DISORDER OF GLYCOSYLATION, TYPE Il; CDG Il. Identifiers: Orphanet 79328, MedGen C2931006, MONDO:0012117, OMIM 608776.

Allele frequency attached by ClinVar (database versions not stated): gnomAD exomes below 0.00001 and 0.00001.
gnomAD v4.1: 20 of 1,613,874 alleles (0.0012%); highest among the groups gnomAD compares: African/African-American, 0.004%; no homozygotes.

Submissions (2):

Labcorp Genetics (formerly Invitae), Labcorp
Classification: Likely benign for ALG9 congenital disorder of glycosylation. Last evaluated: 2026-01-03. Review status: criteria provided, single submitter. Criteria: Invitae Variant Classification Sherloc (09022015). Collection method: clinical testing. Allele origin: germline.

GeneDx
Classification: Likely benign. Last evaluated: 2017-03-23. Review status: criteria provided, single submitter. Criteria: GeneDx Variant Classification (06012015). Collection method: clinical testing. Allele origin: germline. Affected: yes.
Comment: This variant is considered likely benign or benign based on one or more of the following criteria: it is a conservative change, it occurs at a poorly conserved position in the protein, it is predicted to be benign by multiple in silico algorithms, and/or has population frequency not consistent with disease.

NM_012463.4(ATP6V0A2):c.1215G>A (p.Pro405=)

Gene: ATP6V0A2 (ATPase H+ transporting V0 subunit a2; plus strand). Cytogenetic location: 12q24.31.
Variant type: single nucleotide variant.
Coding change: c.1215G>A on transcript NM_012463.4 (MANE Select); coding-DNA position 1215, G replaced by A.
Protein change: p.Pro405=; no amino-acid change (proline 405 retained).
Molecular consequence: synonymous variant.
Genome position (GRCh38, 1-based): chr12:123,744,226, G>A. VCF-style: chr12-123744226-G-A. GRCh37 (hg19) VCF-style: chr12-124228773-G-A.
Identifiers: ClinVar variation 508419 (VCV000508419.5), dbSNP rs1171365721, ClinGen allele CA482270932.